The following is an entry in ClinVar:

ClinVar aggregate classification (germline): Likely benign. Review status: criteria provided, multiple submitters, no conflicts (2 of 4 stars). 2 submissions from 2 submitters: Likely benign (2). Last evaluated 2024-03-01.

Allele frequency attached by ClinVar (database versions not stated): gnomAD exomes 0.00001 and 0.00003; ExAC 0.00004; gnomAD 0.00004 and 0.00005; TOPMed 0.00005; 1000 Genomes Project 30x 0.00016; 1000 Genomes Project 0.00020.
gnomAD v4.1: 29 of 1,613,998 alleles (0.0018%); highest among the groups gnomAD compares: Middle Eastern, 0.016%; no homozygotes.

Submissions (2):

CeGaT Center for Human Genetics Tuebingen
Classification: Likely benign. Last evaluated: 2024-03-01. Review status: criteria provided, single submitter. Criteria: CeGaT Center For Human Genetics Tuebingen Variant Classification Criteria Version 2. Collection method: clinical testing. Allele origin: germline. Affected: yes. Observed: 1 variant allele.
Comment: HSPG2: BP4, BP7

Labcorp Genetics (formerly Invitae), Labcorp
Classification: Likely benign. Last evaluated: 2023-10-11. Review status: criteria provided, single submitter. Criteria: Invitae Variant Classification Sherloc (09022015). Collection method: clinical testing. Allele origin: germline.

NM_005529.7(HSPG2):c.8136C>T (p.Ser2712=)

Gene: HSPG2 (heparan sulfate proteoglycan 2; minus strand). Cytogenetic location: 1p36.12.
Variant type: single nucleotide variant.
Coding change: c.8136C>T on transcript NM_005529.7 (MANE Select); coding-DNA position 8136, C replaced by T.
Protein change: p.Ser2712=; no amino-acid change (serine 2712 retained).
Molecular consequence: synonymous variant.
Genome position (GRCh38, 1-based): chr1:21,847,382, G>A on the plus strand (C>T on the coding strand, the complement: HSPG2 is on the minus strand). VCF-style: chr1-21847382-G-A. GRCh37 (hg19) VCF-style: chr1-22173875-G-A.
Other names: c.8139C>T, p.Ser2713= (NM_001291860.2).
Identifiers: ClinVar variation 719605 (VCV000719605.31), dbSNP rs535274183, ClinGen allele CA670918.